The following is an entry in ClinVar:

NM_015541.3(LRIG1):c.2667C>T (p.Ser889=)

Gene: LRIG1 (leucine rich repeats and immunoglobulin like domains 1; minus strand). Cytogenetic location: 3p14.1.
Variant type: single nucleotide variant.
Coding change: c.2667C>T on transcript NM_015541.3 (MANE Select); coding-DNA position 2667, C replaced by T.
Protein change: p.Ser889=; no amino-acid change (serine 889 retained).
Molecular consequence: synonymous variant.
Genome position (GRCh38, 1-based): chr3:66,381,582, G>A on the plus strand (C>T on the coding strand, the complement: LRIG1 is on the minus strand). VCF-style: chr3-66381582-G-A. GRCh37 (hg19) VCF-style: chr3-66432006-G-A.
Other names: c.2592C>T, p.Ser864= (NM_001377344.1); c.1887C>T, p.Ser629= (NM_001377345.1, NM_001377346.1); c.1665C>T, p.Ser555= (NM_001377347.1); c.1638C>T, p.Ser546= (NM_001377348.1); c.1383C>T, p.Ser461= (NM_001377349.1).
Identifiers: ClinVar variation 3051769 (VCV003051769.2), dbSNP rs139455882, ClinGen allele CA2484229.
Genomic context (GRCh38, chr3:66,381,582, plus strand): 5'-TTTCCACGGCTCTTTGTGATACGCAGACCCAGCACAGAGCTTTGGCTGCCTGCAGGCAAC[G>A]CTGTGAGTGTCGGGCTCTGGAAAGTGGCTTGCATCTCTTGGACACACACCTGCAAGTGGA-3'
Protein context (NP_056356.2, residues 879-899): ASHFPEPDTH[Ser889=]VACRQPKLCA

ClinVar aggregate classification (germline): Likely benign (0 of 4 stars; one submission).

Conditions:
LRIG1-related disorder. Also called: LRIG1-related condition.

Allele frequency attached by ClinVar (database versions not stated): ESP Exome Variant Server 0.00008.
gnomAD v4.1: 71 of 1,613,950 alleles (0.0044%); highest among the groups gnomAD compares: East Asian, 0.0067%; no homozygotes.

Submission:

PreventionGenetics, part of Exact Sciences
Classification: Likely benign for LRIG1-related condition. Last evaluated: 2020-02-20. Review status: no assertion criteria provided. Collection method: clinical testing. Allele origin: germline.
Comment: This variant is classified as likely benign based on ACMG/AMP sequence variant interpretation guidelines (Richards et al. 2015 PMID: 25741868, with internal and published modifications).